The following is an entry in ClinVar:

NM_007194.4(CHEK2):c.407A>G (p.Tyr136Cys)

Gene: CHEK2 (checkpoint kinase 2; minus strand). Cytogenetic location: 22q12.1.
Variant type: single nucleotide variant.
Coding change: c.407A>G on transcript NM_007194.4 (MANE Select); coding-DNA position 407, A replaced by G.
Protein change: p.Tyr136Cys; replaces tyrosine 136 with cysteine.
Molecular consequence: missense variant.
Genome position (GRCh38, 1-based): chr22:28,725,280, T>C on the plus strand (A>G on the coding strand, the complement: CHEK2 is on the minus strand). VCF-style: chr22-28725280-T-C. GRCh37 (hg19) VCF-style: chr22-29121268-T-C.
Other names: c.536A>G, p.Tyr179Cys (NM_001005735.3); c.-371A>G (NM_001257387.3); c.407A>G, p.Tyr136Cys (NM_001349956.3, NM_145862.3); short protein forms Y136C, Y179C.
Identifiers: ClinVar variation 628852 (VCV000628852.13), dbSNP rs1569158606, ClinGen allele CA411107987.

ClinVar aggregate classification (germline): Uncertain significance. Review status: criteria provided, multiple submitters, no conflicts (2 of 4 stars). 2 submissions from 2 submitters: Uncertain significance (2). Last evaluated 2024-10-15.

Conditions:
Familial cancer of breast. Also called: BREAST CANCER, FAMILIAL; Hereditary breast cancer; hereditary breast carcinoma. Identifiers: Orphanet 227535, MedGen C0346153, MONDO:0016419, OMIM 114480. Disease mechanism: loss of function.
Hereditary cancer-predisposing syndrome. Also called: Neoplastic Syndromes, Hereditary; Tumor predisposition; Hereditary neoplastic syndrome; Hereditary Cancer Syndrome. Identifiers: Orphanet 140162, MedGen C0027672, MeSH D009386, MONDO:0015356.

Submissions (2):

Labcorp Genetics (formerly Invitae), Labcorp
Classification: Uncertain significance for Familial cancer of breast. Last evaluated: 2024-10-15. Review status: criteria provided, single submitter. Criteria: Invitae Variant Classification Sherloc (09022015). Collection method: clinical testing. Allele origin: germline.
Comment: This sequence change replaces tyrosine, which is neutral and polar, with cysteine, which is neutral and slightly polar, at codon 136 of the CHEK2 protein (p.Tyr136Cys). This variant is not present in population databases (gnomAD no frequency). This variant has not been reported in the literature in individuals affected with CHEK2-related conditions. ClinVar contains an entry for this variant (Variation ID: 628852). An algorithm developed to predict the effect of missense changes on protein structure and function (PolyPhen-2) suggests that this variant is likely to be disruptive. In summary, the available evidence is currently insufficient to determine the role of this variant in disease. Therefore, it has been classified as a Variant of Uncertain Significance.

Color Diagnostics, LLC DBA Color Health
Classification: Uncertain significance for Hereditary cancer-predisposing syndrome. Last evaluated: 2023-12-05. Review status: criteria provided, single submitter. Criteria: ACMG Guidelines, 2015. Collection method: clinical testing. Allele origin: germline.
Comment: This missense variant replaces tyrosine with cysteine at codon 136 of the CHEK2 protein. Computational prediction suggests that this variant may have deleterious impact on protein structure and function (internally defined REVEL score threshold >= 0.7, PMID: 27666373). To our knowledge, functional studies have not been reported for this variant. This variant has not been reported in individuals affected with CHEK2-related disorders in the literature. This variant has not been identified in the general population by the Genome Aggregation Database (gnomAD). The available evidence is insufficient to determine the role of this variant in disease conclusively. Therefore, this variant is classified as a Variant of Uncertain Significance.